The following is an entry in ClinVar:

NM_018965.4(TREM2):c.*102C>G

Gene: TREM2 (triggering receptor expressed on myeloid cells 2; minus strand). Cytogenetic location: 6p21.1.
Variant type: single nucleotide variant.
Coding change: c.*102C>G on transcript NM_018965.4 (MANE Select); 102 bases downstream of the stop codon, C replaced by G.
Molecular consequence: 3 prime UTR variant. On other transcripts: missense variant (1).
Genome position (GRCh38, 1-based): chr6:41,158,662, G>C on the plus strand (C>G on the coding strand, the complement: TREM2 is on the minus strand). VCF-style: chr6-41158662-G-C. GRCh37 (hg19) VCF-style: chr6-41126400-G-C.
Other names: c.601C>G, p.Gln201Glu (NM_001271821.2); short protein forms Q201E.
Identifiers: ClinVar variation 1959798 (VCV001959798.5), dbSNP rs758041103, ClinGen allele CA3798782.
Genomic context (GRCh38, chr6:41,158,662, plus strand): 5'-CTCAACCAGTCCCTGCTTCCAGGGTCCAGGAGAAGCAGTGTTCAGGCAGAGTAGTCTCTT[G>C]CCAGAGCAGAACAAGGAGTCCTGGTGGCCAAGTGGCAAGTATGCAGGCTGGGCTGGTCCC-3'

ClinVar aggregate classification (germline): Uncertain significance (1 of 4 stars; one submission).

gnomAD v4.1: 1 of 1,610,042 alleles (0.000062%); highest among the groups gnomAD compares: Middle Eastern, 0.017%; no homozygotes.

Submission:

Labcorp Genetics (formerly Invitae), Labcorp
Classification: Uncertain significance. Last evaluated: 2022-05-07. Review status: criteria provided, single submitter. Criteria: Invitae Variant Classification Sherloc (09022015). Collection method: clinical testing. Allele origin: germline.
Comment: This variant occurs in a non-coding region of the TREM2 gene. It does not change the encoded amino acid sequence of the TREM2 protein. This variant is not present in population databases (gnomAD no frequency). This variant has not been reported in the literature in individuals affected with TREM2-related conditions. In summary, the available evidence is currently insufficient to determine the role of this variant in disease. Therefore, it has been classified as a Variant of Uncertain Significance.